The following is an entry in ClinVar:

ClinVar aggregate classification (germline): Uncertain significance (1 of 4 stars; one submission).

Conditions:
Dilated cardiomyopathy 1G (CMD1G). Identifiers: Orphanet 154, MedGen C1858763, MONDO:0011400, OMIM 604145.
Autosomal recessive limb-girdle muscular dystrophy type 2J (LGMDR10). Also called: Limb-girdle muscular dystrophy, type 2J; MUSCULAR DYSTROPHY, LIMB-GIRDLE, AUTOSOMAL RECESSIVE 10. Identifiers: Orphanet 140922, MedGen C1837342, MONDO:0012127, OMIM 608807.

Allele frequency attached by ClinVar (database versions not stated): ExAC 0.00001.

Submission:

Labcorp Genetics (formerly Invitae), Labcorp
Classification: Uncertain significance for Dilated cardiomyopathy 1G; Autosomal recessive limb-girdle muscular dystrophy type 2J. Last evaluated: 2026-01-21. Review status: criteria provided, single submitter. Criteria: Invitae Variant Classification Sherloc (09022015). Collection method: clinical testing. Allele origin: germline.
Comment: This sequence change replaces serine, which is neutral and polar, with cysteine, which is neutral and slightly polar, at codon 34834 of the TTN protein (p.Ser34834Cys). This variant is present in population databases (rs779646030, gnomAD 0.002%). This variant has not been reported in the literature in individuals affected with TTN-related conditions. ClinVar contains an entry for this variant (Variation ID: 2949433). Experimental studies and prediction algorithms are not available or were not evaluated, and the functional significance of this variant is currently unknown. This variant is located in the M band of TTN (PMID: 25589632). Non-truncating variants in this region may be relevant for neuromuscular disorders, but have not been definitively shown to cause cardiomyopathy (PMID: 23975875). In summary, the available evidence is currently insufficient to determine the role of this variant in disease. Therefore, it has been classified as a Variant of Uncertain Significance.

Literature cited by the submitters: PubMed 25589632; PubMed 23975875.

NM_001267550.2(TTN):c.104501C>G (p.Ser34834Cys)

Genes: TTN (titin; minus strand), TTN-AS1 (TTN antisense RNA 1; plus strand). Cytogenetic location: 2q31.2.
Variant type: single nucleotide variant.
Coding change: c.104501C>G on transcript NM_001267550.2 (MANE Select); coding-DNA position 104501, C replaced by G.
Protein change: p.Ser34834Cys; replaces serine 34834 with cysteine.
Molecular consequence: missense variant.
Genome position (GRCh38, 1-based): chr2:178,532,114, G>C on the plus strand (C>G on the coding strand, the complement: TTN is on the minus strand). VCF-style: chr2-178532114-G-C. GRCh37 (hg19) VCF-style: chr2-179396841-G-C.
Other names: c.99578C>G, p.Ser33193Cys (NM_001256850.1); c.77306C>G, p.Ser25769Cys (NM_003319.4); c.96797C>G, p.Ser32266Cys (NM_133378.4); c.77681C>G, p.Ser25894Cys (NM_133432.3); c.77882C>G, p.Ser25961Cys (NM_133437.4); short protein forms S25894C, S25961C, S33193C, S34834C, S25769C, S32266C.
Identifiers: ClinVar variation 2949433 (VCV002949433.3), dbSNP rs779646030, ClinGen allele CA1985415.
Genomic context (GRCh38, chr2:178,532,114, plus strand): 5'-ACTGGCCTCATTAACTCAATATAAGTTGGAGACAGGGAGCGCCGTCGTCTCAGTAGTCTA[G>C]ACGCAGATGAGGATGATTCTCTTTGAGCATGTTTTGAGATTTCGTATTCTTCCTCAATTT-3'
Protein context (NP_001254479.2, residues 34824-34844): HAQRESSSSA[Ser34834Cys]RLLRRRRSLS